The following is an entry in ClinVar:

NM_024312.5(GNPTAB):c.2980_2983del (p.Ala994fs)

Gene: GNPTAB (N-acetylglucosamine-1-phosphate transferase subunits alpha and beta; minus strand). Cytogenetic location: 12q23.2.
Variant type: Deletion.
Coding change: c.2980_2983del on transcript NM_024312.5 (MANE Select); coding-DNA positions 2980 to 2983, 4 bases deleted (GCCT; older notation c.2980_2983delGCCT).
Protein change: p.Ala994fs; shifts the reading frame from alanine 994.
Molecular consequence: frameshift variant.
Genome position (GRCh38, 1-based): chr12:101,761,279-101,761,282, AGGC deleted on the plus strand (GCCT on the coding strand, the reverse complement: GNPTAB is on the minus strand); deleting any 4 consecutive bases within chr12:101,761,279-101,761,283 gives the same sequence; the c. name uses the placement nearest the transcript's 3' end. VCF-style (leftmost placement, unchanged base first): chr12-101761278-AAGGC-A. GRCh37 (hg19) VCF-style: chr12-102155056-AAGGC-A.
Other names: short protein forms A994fs.
Identifiers: ClinVar variation 1012255 (VCV001012255.10), dbSNP rs1952989025, ClinGen allele CA2058952574.

ClinVar aggregate classification (germline): Pathogenic (1 of 4 stars; one submission).

Conditions:
Mucolipidosis type II. Also called: ML II ALPHA/BETA; Mucolipidosis II Alpha/Beta; Mucolipidosis 2; ML 2; Inclusion cell disease; Leroy Disease. Identifiers: Orphanet 576, MedGen C2673377, MONDO:0009650, OMIM 252500.
Pseudo-Hurler polydystrophy. Also called: Type III Mucolipidosis; MUCOLIPIDOSIS IIIA; ML III; ML III ALPHA/BETA; ML IIIA; Mucolipidosis III Alpha/Beta. Identifiers: Orphanet 423461, Orphanet 577, MedGen C0033788, MONDO:0018931, OMIM 252600.

Submission:

Labcorp Genetics (formerly Invitae), Labcorp
Classification: Pathogenic for Pseudo-Hurler polydystrophy; Mucolipidosis type II. Last evaluated: 2023-05-01. Review status: criteria provided, single submitter. Criteria: Invitae Variant Classification Sherloc (09022015). Collection method: clinical testing. Allele origin: germline.
Comment: For these reasons, this variant has been classified as Pathogenic. Algorithms developed to predict the effect of sequence changes on RNA splicing suggest that this variant may disrupt the consensus splice site. ClinVar contains an entry for this variant (Variation ID: 1012255). This premature translational stop signal has been observed in individual(s) with mucolipidosis type III (PMID: 29872134). This variant is not present in population databases (gnomAD no frequency). This sequence change creates a premature translational stop signal (p.Ala994Serfs*8) in the GNPTAB gene. It is expected to result in an absent or disrupted protein product. Loss-of-function variants in GNPTAB are known to be pathogenic (PMID: 19617216, 25107912).

Literature cited by the submitters: PubMed 29872134; PubMed 19617216; PubMed 25107912.